The following is an entry in ClinVar:

NM_001127671.2(LIFR):c.425T>C (p.Leu142Ser)

Gene: LIFR (LIF receptor subunit alpha; minus strand). Cytogenetic location: 5p13.1.
Variant type: single nucleotide variant.
Coding change: c.425T>C on transcript NM_001127671.2 (MANE Select); coding-DNA position 425, T replaced by C.
Protein change: p.Leu142Ser; replaces leucine 142 with serine.
Molecular consequence: missense variant.
Genome position (GRCh38, 1-based): chr5:38,523,555, A>G on the plus strand (T>C on the coding strand, the complement: LIFR is on the minus strand). VCF-style: chr5-38523555-A-G. GRCh37 (hg19) VCF-style: chr5-38523657-A-G.
Other names: c.425T>C, p.Leu142Ser (NM_001364297.2, NM_001364298.2, NM_002310.6); short protein forms L142S.
Identifiers: ClinVar variation 1506508 (VCV001506508.5), dbSNP rs779962357, ClinGen allele CA3243210.
Genomic context (GRCh38, chr5:38,523,555, plus strand): 5'-GAACCCCTGTCGTTCCACTTTAGGTATAATGTAGAGGTTGAGAAATCAGCAGACAAATTC[A>G]AGATCTCTGGAGTATCTGGAATTAAGGCTTTAAAAAGAGGAAACAAAAGAGAAAACTTAG-3'
Protein context (NP_001121143.1, residues 132-152): VSLIPDTPEI[Leu142Ser]NLSADFSTST

ClinVar aggregate classification (germline): Uncertain significance (1 of 4 stars; one submission).

Allele frequency attached by ClinVar (database versions not stated): gnomAD exomes below 0.00001 and 0.00001; ExAC 0.00001.
gnomAD v4.1: 4 of 1,613,338 alleles (0.00025%); highest among the groups gnomAD compares: Non-Finnish European, 0.00034%; no homozygotes.

Submission:

Labcorp Genetics (formerly Invitae), Labcorp
Classification: Uncertain significance. Last evaluated: 2022-06-17. Review status: criteria provided, single submitter. Criteria: Invitae Variant Classification Sherloc (09022015). Collection method: clinical testing. Allele origin: germline.
Comment: This sequence change replaces leucine, which is neutral and non-polar, with serine, which is neutral and polar, at codon 142 of the LIFR protein (p.Leu142Ser). This variant is present in population databases (rs779962357, gnomAD 0.002%). This variant has not been reported in the literature in individuals affected with LIFR-related conditions. Algorithms developed to predict the effect of missense changes on protein structure and function are either unavailable or do not agree on the potential impact of this missense change (SIFT: "Tolerated"; PolyPhen-2: "Possibly Damaging"; Align-GVGD: "Class C0"). In summary, the available evidence is currently insufficient to determine the role of this variant in disease. Therefore, it has been classified as a Variant of Uncertain Significance.